The following is an entry in ClinVar:

ClinVar aggregate classification (germline): Conflicting classifications of pathogenicity. Review status: criteria provided, conflicting classifications (1 of 4 stars). 2 submissions from 2 submitters: Uncertain significance (1); Likely benign (1). Last evaluated 2026-01-02.

Conditions:
Familial adenomatous polyposis 1 (FAP1). Also called: FAMILIAL ADENOMATOUS POLYPOSIS 1, ATTENUATED; POLYPOSIS, ADENOMATOUS INTESTINAL. Identifiers: MedGen C2713442, MONDO:0021056, OMIM 175100. Disease mechanism: loss of function.
APC-related disorder. Also called: APC-related condition.

Allele frequency attached by ClinVar (database versions not stated): TOPMed 0.00002.

Submissions (2):

PreventionGenetics, part of Exact Sciences
Classification: Likely benign for APC-related condition. Last evaluated: 2026-01-02. Review status: criteria provided, single submitter. Criteria: ACMG Guidelines, 2015. Collection method: clinical testing. Allele origin: germline.
Comment: This variant is classified as likely benign based on ACMG/AMP sequence variant interpretation guidelines (Richards et al. 2015 PMID: 25741868, with internal and published modifications).

Labcorp Genetics (formerly Invitae), Labcorp
Classification: Uncertain significance for Familial adenomatous polyposis 1. Last evaluated: 2025-01-19. Review status: criteria provided, single submitter. Criteria: Invitae Variant Classification Sherloc (09022015). Collection method: clinical testing. Allele origin: germline.
Comment: This variant occurs in a non-coding region of the APC gene. It does not change the encoded amino acid sequence of the APC protein. This variant is not present in population databases (gnomAD no frequency). This variant has not been reported in the literature in individuals affected with APC-related conditions. ClinVar contains an entry for this variant (Variation ID: 639350). Experimental studies and prediction algorithms are not available or were not evaluated, and the functional significance of this variant is currently unknown. In summary, the available evidence is currently insufficient to determine the role of this variant in disease. Therefore, it has been classified as a Variant of Uncertain Significance.

NC_000005.10:g.112707346G>A

Gene: APC (APC regulator of Wnt signaling pathway; plus strand). Cytogenetic location: 5q22.2.
Variant type: single nucleotide variant.
Genome position: GRCh38 VCF-style: chr5-112707346-G-A. GRCh37 (hg19) VCF-style: chr5-112043043-G-A.
Identifiers: ClinVar variation 639350 (VCV000639350.12), dbSNP rs1232455560, ClinGen allele CA802056793.